The following is an entry in ClinVar:

ClinVar aggregate classification (germline): Likely benign (1 of 4 stars; one submission).

Allele frequency attached by ClinVar (database versions not stated): 1000 Genomes Project 30x 0.00031; 1000 Genomes Project 0.00040; gnomAD exomes 0.00070; gnomAD 0.00073 and 0.00079; TOPMed 0.00094.
gnomAD v4.1: 732 of 960,232 alleles (0.076%); highest among the groups gnomAD compares: Middle Eastern, 1.8%; 10 homozygotes.

Submission:

CeGaT Center for Human Genetics Tuebingen
Classification: Likely benign. Last evaluated: 2023-02-01. Review status: criteria provided, single submitter. Criteria: CeGaT Center For Human Genetics Tuebingen Variant Classification Criteria Version 2. Collection method: clinical testing. Allele origin: germline. Affected: yes. Observed: 3 variant alleles.
Comment: GSN: BS1

NM_198252.3(GSN):c.514-126G>A

Gene: GSN (gelsolin; plus strand). Cytogenetic location: 9q33.2.
Variant type: single nucleotide variant.
Coding change: c.514-126G>A on transcript NM_198252.3 (MANE Select); 126 bases into the intron before coding-DNA position 514, G replaced by A.
Molecular consequence: intron variant.
Genome position (GRCh38, 1-based): chr9:121,312,213, G>A. VCF-style: chr9-121312213-G-A. GRCh37 (hg19) VCF-style: chr9-124074491-G-A.
Other names: c.514-126G>A (NM_001353054.1, NM_001353053.1, NM_001353060.2 and 10 more transcripts); c.547-126G>A (NM_001353064.2, NM_001353066.2, NM_001353073.2 and 13 more transcripts); c.622-126G>A (NM_001127663.2); c.586-126G>A (NM_001353076.2); c.-141-126G>A (NM_001353078.2); c.565-126G>A (NM_001258029.2); c.538-126G>A (NM_001258030.2); c.667-126G>A (NM_000177.5).
Identifiers: ClinVar variation 1695263 (VCV001695263.31), dbSNP rs540870265, ClinGen allele CA199409000.
Genomic context (GRCh38, chr9:121,312,213, plus strand): 5'-CTGGTGTGTGCAGATCACACTTAATTGTACGTAAATAATGCACGTGTGCAGACTGTGCCA[G>A]CCTTCACCTGGGCAAGTGCAGAACAGGGTGAGCCTGCACACCACACGCCACACTCCCCAA-3'